The following is an entry in ClinVar:

ClinVar aggregate classification (germline): Uncertain significance. Review status: criteria provided, multiple submitters, no conflicts (2 of 4 stars). 3 submissions from 3 submitters: Uncertain significance (3). Last evaluated 2025-05-21.

Conditions:
Early-infantile DEE. Also called: Early infantile epileptic encephalopathy with suppression bursts; Ohtahara syndrome; Early infantile epileptic encephalopathy. Identifiers: Orphanet 1934, MedGen C0393706, MONDO:0800491.
Inborn genetic diseases. Identifiers: MedGen C0950123, MeSH D030342.

Allele frequency attached by ClinVar (database versions not stated): gnomAD 0.00001; TOPMed 0.00001.
gnomAD v4.1: 58 of 1,613,832 alleles (0.0036%); highest among the groups gnomAD compares: Non-Finnish European, 0.0045%; no homozygotes.

Submissions (3):

Labcorp Genetics (formerly Invitae), Labcorp
Classification: Uncertain significance for Early-infantile DEE. Last evaluated: 2025-05-21. Review status: criteria provided, single submitter. Criteria: Invitae Variant Classification Sherloc (09022015). Collection method: clinical testing. Allele origin: germline.
Comment: This sequence change replaces phenylalanine, which is neutral and non-polar, with valine, which is neutral and non-polar, at codon 730 of the SCN8A protein (p.Phe730Val). This variant is present in population databases (no rsID available, gnomAD 0.002%). This variant has not been reported in the literature in individuals affected with SCN8A-related conditions. ClinVar contains an entry for this variant (Variation ID: 1005362). Invitae Evidence Modeling of protein sequence and biophysical properties (such as structural, functional, and spatial information, amino acid conservation, physicochemical variation, residue mobility, and thermodynamic stability) indicates that this missense variant is not expected to disrupt SCN8A protein function with a negative predictive value of 95%. In summary, the available evidence is currently insufficient to determine the role of this variant in disease. Therefore, it has been classified as a Variant of Uncertain Significance.

Ambry Genetics
Classification: Uncertain significance for Inborn genetic diseases. Last evaluated: 2025-04-25. Review status: criteria provided, single submitter. Criteria: Ambry Variant Classification Scheme 2023. Collection method: clinical testing. Allele origin: germline.

Blueprint Genetics
Classification: Uncertain significance. Last evaluated: 2021-10-22. Review status: criteria provided, single submitter. Criteria: ACMG Guidelines, 2015. Collection method: clinical testing. Allele origin: germline.

NM_001330260.2(SCN8A):c.2188T>G (p.Phe730Val)

Gene: SCN8A (sodium voltage-gated channel alpha subunit 8; plus strand). Cytogenetic location: 12q13.13.
Variant type: single nucleotide variant.
Coding change: c.2188T>G on transcript NM_001330260.2 (MANE Select); coding-DNA position 2188, T replaced by G.
Protein change: p.Phe730Val; replaces phenylalanine 730 with valine.
Molecular consequence: missense variant.
Genome position (GRCh38, 1-based): chr12:51,751,411, T>G. VCF-style: chr12-51751411-T-G. GRCh37 (hg19) VCF-style: chr12-52145195-T-G.
Other names: c.2188T>G, p.Phe730Val (NM_001177984.3, NM_001369788.1, NM_014191.4); c.2188T>G (NM_014191.2); short protein forms F730V.
Identifiers: ClinVar variation 1005362 (VCV001005362.11), dbSNP rs923938885, ClinGen allele CA384879810.